The following is an entry in ClinVar:

NM_014391.3(ANKRD1):c.345+6G>A

Gene: ANKRD1 (ankyrin repeat domain 1; minus strand). Cytogenetic location: 10q23.31.
Variant type: single nucleotide variant.
Coding change: c.345+6G>A on transcript NM_014391.3 (MANE Select); 6 bases into the intron after coding-DNA position 345, G replaced by A.
Molecular consequence: intron variant.
Genome position (GRCh38, 1-based): chr10:90,919,125, C>T on the plus strand (G>A on the coding strand, the complement: ANKRD1 is on the minus strand). VCF-style: chr10-90919125-C-T. GRCh37 (hg19) VCF-style: chr10-92678882-C-T.
Identifiers: ClinVar variation 2969172 (VCV002969172.3), dbSNP rs1490248243, ClinGen allele CA669781244.

ClinVar aggregate classification (germline): Uncertain significance (1 of 4 stars; one submission).

Conditions:
ANKRD1-related dilated cardiomyopathy. Identifiers: MedGen CN119551.

Allele frequency attached by ClinVar (database versions not stated): gnomAD exomes 0.00001.
gnomAD v4.1: 8 of 1,612,800 alleles (0.0005%); highest among the groups gnomAD compares: East Asian, 0.018%; no homozygotes.

Submission:

Labcorp Genetics (formerly Invitae), Labcorp
Classification: Uncertain significance for ANKRD1-related dilated cardiomyopathy. Last evaluated: 2023-05-25. Review status: criteria provided, single submitter. Criteria: Invitae Variant Classification Sherloc (09022015). Collection method: clinical testing. Allele origin: germline.
Comment: In summary, the available evidence is currently insufficient to determine the role of this variant in disease. Therefore, it has been classified as a Variant of Uncertain Significance. Variants that disrupt the consensus splice site are a relatively common cause of aberrant splicing (PMID: 17576681, 9536098). Algorithms developed to predict the effect of sequence changes on RNA splicing suggest that this variant is not likely to affect RNA splicing. This variant has not been reported in the literature in individuals affected with ANKRD1-related conditions. This variant is not present in population databases (gnomAD no frequency). This sequence change falls in intron 3 of the ANKRD1 gene. It does not directly change the encoded amino acid sequence of the ANKRD1 protein. It affects a nucleotide within the consensus splice site.

Literature cited by the submitters: PubMed 17576681; PubMed 9536098.